The following is an entry in ClinVar:

ClinVar aggregate classification (germline): Uncertain significance (1 of 4 stars; one submission).

Conditions:
Hereditary cancer-predisposing syndrome. Also called: Tumor predisposition; Hereditary Cancer Syndrome; Neoplastic Syndromes, Hereditary; Hereditary neoplastic syndrome. Identifiers: Orphanet 140162, MedGen C0027672, MeSH D009386, MONDO:0015356.

Submission:

Ambry Genetics
Classification: Uncertain significance for Hereditary cancer-predisposing syndrome. Last evaluated: 2019-09-12. Review status: criteria provided, single submitter. Criteria: Ambry Variant Classification Scheme 2023. Collection method: clinical testing. Allele origin: germline.
Comment: The p.N975K variant (also known as c.2925C>G), located in coding exon 4 of the MSH6 gene, results from a C to G substitution at nucleotide position 2925. The asparagine at codon 975 is replaced by lysine, an amino acid with similar properties. This amino acid position is highly conserved in available vertebrate species. In addition, the in silico prediction for this alteration is inconclusive. Since supporting evidence is limited at this time, the clinical significance of this alteration remains unclear.

NM_000179.3(MSH6):c.2925C>G (p.Asn975Lys)

Gene: MSH6 (mutS homolog 6; plus strand). Cytogenetic location: 2p16.3.
Variant type: single nucleotide variant.
Coding change: c.2925C>G on transcript NM_000179.3 (MANE Select); coding-DNA position 2925, C replaced by G.
Protein change: p.Asn975Lys; replaces asparagine 975 with lysine.
Molecular consequence: missense variant.
Genome position (GRCh38, 1-based): chr2:47,800,908, C>G. VCF-style: chr2-47800908-C-G. GRCh37 (hg19) VCF-style: chr2-48028047-C-G.
Other names: c.2535C>G, p.Asn845Lys (NM_001281492.2); c.2019C>G, p.Asn673Lys (NM_001281493.2, NM_001281494.2); short protein forms N673K, N845K, N975K.
Identifiers: ClinVar variation 822275 (VCV000822275.4), dbSNP rs139026662, ClinGen allele CA346756190.
Genomic context (GRCh38, chr2:47,800,908, plus strand): 5'-AGAGAAACAGCGCAACAGAATTGGCTGTAGGACCATAGTCTATTGGGGGATTGGTAGGAA[C>G]CGTTACCAGCTGGAAATTCCTGAGAATTTCACCACTCGCAATTTGCCAGAAGAATACGAG-3'
Protein context (NP_000170.1, residues 965-985): RTIVYWGIGR[Asn975Lys]RYQLEIPENF